The following is an entry in ClinVar:

NM_032634.4(PIGO):c.628G>A (p.Gly210Ser)

Gene: PIGO (phosphatidylinositol glycan anchor biosynthesis class O; minus strand). Cytogenetic location: 9p13.3.
Variant type: single nucleotide variant.
Coding change: c.628G>A on transcript NM_032634.4 (MANE Select); coding-DNA position 628, G replaced by A.
Protein change: p.Gly210Ser; replaces glycine 210 with serine.
Molecular consequence: missense variant.
Genome position (GRCh38, 1-based): chr9:35,094,243, C>T on the plus strand (G>A on the coding strand, the complement: PIGO is on the minus strand). VCF-style: chr9-35094243-C-T. GRCh37 (hg19) VCF-style: chr9-35094240-C-T.
Other names: c.628G>A, p.Gly210Ser (NM_001201484.2, NM_152850.4); short protein forms G210S.
Identifiers: ClinVar variation 2135398 (VCV002135398.4), dbSNP rs1227945970, ClinGen allele CA373323869.
Genomic context (GRCh38, chr9:35,094,243, plus strand): 5'-TCTTAGAACTAAGTGCTCTGGCCCCATGCTCACTGGTGGGGTAGAGGTGTTCCAGGATGC[C>T]ATTGTCCACTGTGTCTAGGTCTCTGACATTGAAGGATGGGAAGAAGAAAGCTTTGGAGAA-3'
Protein context (NP_116023.2, residues 200-220): NVRDLDTVDN[Gly210Ser]ILEHLYPTMD

ClinVar aggregate classification (germline): Uncertain significance (1 of 4 stars; one submission).

Conditions:
Hyperphosphatasia with impaired intellectual development syndrome 2. Also called: Hyperphosphatasia with intellectual disability syndrome 2; GLYCOSYLPHOSPHATIDYLINOSITOL BIOSYNTHESIS DEFECT 6. Identifiers: Orphanet 247262, MedGen C3553637, MONDO:0013882, OMIM 614749.

Allele frequency attached by ClinVar (database versions not stated): gnomAD exomes below 0.00001; TOPMed below 0.00001.
gnomAD v4.1: 1 of 1,600,604 alleles (0.000062%); no homozygotes.

Submission:

Labcorp Genetics (formerly Invitae), Labcorp
Classification: Uncertain significance for Hyperphosphatasia with impaired intellectual development syndrome 2. Last evaluated: 2022-05-08. Review status: criteria provided, single submitter. Criteria: Invitae Variant Classification Sherloc (09022015). Collection method: clinical testing. Allele origin: germline.
Comment: In summary, the available evidence is currently insufficient to determine the role of this variant in disease. Therefore, it has been classified as a Variant of Uncertain Significance. Algorithms developed to predict the effect of missense changes on protein structure and function are either unavailable or do not agree on the potential impact of this missense change (SIFT: "Tolerated"; PolyPhen-2: "Probably Damaging"; Align-GVGD: "Class C0"). This variant has not been reported in the literature in individuals affected with PIGO-related conditions. This variant is not present in population databases (gnomAD no frequency). This sequence change replaces glycine, which is neutral and non-polar, with serine, which is neutral and polar, at codon 210 of the PIGO protein (p.Gly210Ser).